The following is an entry in ClinVar:

ClinVar aggregate classification (germline): Uncertain significance (1 of 4 stars; one submission).

Conditions:
Noonan syndrome 9 (NS9). Identifiers: Orphanet 648, MedGen C4225282, MONDO:0014691, OMIM 616559.

Submission:

Labcorp Genetics (formerly Invitae), Labcorp
Classification: Uncertain significance for Noonan syndrome 9. Last evaluated: 2021-12-25. Review status: criteria provided, single submitter. Criteria: Invitae Variant Classification Sherloc (09022015). Collection method: clinical testing. Allele origin: germline.
Comment: This sequence change replaces cysteine, which is neutral and slightly polar, with tryptophan, which is neutral and slightly polar, at codon 187 of the SOS2 protein (p.Cys187Trp). This variant is not present in population databases (gnomAD no frequency). This variant has not been reported in the literature in individuals affected with SOS2-related conditions. Advanced modeling of protein sequence and biophysical properties (such as structural, functional, and spatial information, amino acid conservation, physicochemical variation, residue mobility, and thermodynamic stability) performed at Invitae indicates that this missense variant is not expected to disrupt SOS2 protein function. In summary, the available evidence is currently insufficient to determine the role of this variant in disease. Therefore, it has been classified as a Variant of Uncertain Significance.

NM_006939.4(SOS2):c.561T>G (p.Cys187Trp)

Gene: SOS2 (SOS Ras/Rho guanine nucleotide exchange factor 2; minus strand). Cytogenetic location: 14q21.3.
Variant type: single nucleotide variant.
Coding change: c.561T>G on transcript NM_006939.4 (MANE Select); coding-DNA position 561, T replaced by G.
Protein change: p.Cys187Trp; replaces cysteine 187 with tryptophan.
Molecular consequence: missense variant.
Genome position (GRCh38, 1-based): chr14:50,188,650, A>C on the plus strand (T>G on the coding strand, the complement: SOS2 is on the minus strand). VCF-style: chr14-50188650-A-C. GRCh37 (hg19) VCF-style: chr14-50655368-A-C.
Other names: c.561T>G, p.Cys187Trp (NM_001411020.1); short protein forms C187W.
Identifiers: ClinVar variation 2059510 (VCV002059510.4), dbSNP rs2503134284, ClinGen allele CA389648262.